The following is an entry in ClinVar:

ClinVar aggregate classification (germline): Uncertain significance (1 of 4 stars; one submission).

Submission:

Labcorp Genetics (formerly Invitae), Labcorp
Classification: Uncertain significance. Last evaluated: 2018-05-01. Review status: criteria provided, single submitter. Criteria: Invitae Variant Classification Sherloc (09022015). Collection method: clinical testing. Allele origin: germline.
Comment: In summary, the available evidence is currently insufficient to determine the role of this variant in disease. Therefore, it has been classified as a Variant of Uncertain Significance. Algorithms developed to predict the effect of missense changes on protein structure and function do not agree on the potential impact of this missense change (SIFT: "Deleterious"; PolyPhen-2: "Possibly Damaging"; Align-GVGD: "Class C0"). This variant has not been reported in the literature in individuals with SZT2-related disease. This variant is not present in population databases (ExAC no frequency). This sequence change replaces serine with asparagine at codon 1817 of the SZT2 protein (p.Ser1817Asn). The serine residue is highly conserved and there is a small physicochemical difference between serine and asparagine.

NM_001365999.1(SZT2):c.5621G>A (p.Ser1874Asn)

Gene: SZT2 (SZT2 subunit of KICSTOR complex; plus strand). Cytogenetic location: 1p34.2.
Variant type: single nucleotide variant.
Coding change: c.5621G>A on transcript NM_001365999.1 (MANE Select); coding-DNA position 5621, G replaced by A.
Protein change: p.Ser1874Asn; replaces serine 1874 with asparagine.
Molecular consequence: missense variant.
Genome position (GRCh38, 1-based): chr1:43,433,007, G>A. VCF-style: chr1-43433007-G-A. GRCh37 (hg19) VCF-style: chr1-43898678-G-A.
Other names: c.5450G>A, p.Ser1817Asn (NM_015284.4); short protein forms S1817N, S1874N.
Identifiers: ClinVar variation 1006929 (VCV001006929.8), dbSNP rs1654079265, ClinGen allele CA340025924.
Genomic context (GRCh38, chr1:43,433,007, plus strand): 5'-CCCAGCTTCGGATGGGATTGACCTTCAATGCATCTGACACAGGTTATGATGGTGGCAGCA[G>A]TGGCTCAGACAGTGAGGGTCCCAATGACACCCTTGGTGAGAAGGCCCCCTTCACATTGCG-3'
Protein context (NP_001352928.1, residues 1864-1884): SDHLGYDGGS[Ser1874Asn]GSDSEGPNDT